The following is an entry in ClinVar:

ClinVar aggregate classification (germline): Likely benign (1 of 4 stars; one submission).

gnomAD v4.1: 59 of 1,613,956 alleles (0.0037%); highest among the groups gnomAD compares: Non-Finnish European, 0.0042%; no homozygotes.

Submission:

CeGaT Center for Human Genetics Tuebingen
Classification: Likely benign. Last evaluated: 2026-06-01. Review status: criteria provided, single submitter. Criteria: CeGaT Center For Human Genetics Tuebingen Variant Classification Criteria Version 2. Collection method: clinical testing. Allele origin: germline. Affected: yes. Observed: 1 variant allele.
Comment: TAB2: BP4, BP7

NM_001292034.3(TAB2):c.1567C>T (p.Leu523=)

Genes: TAB2 (TGF-beta activated kinase 1 (MAP3K7) binding protein 2; plus strand), LOC126859827 (BRD4-independent group 4 enhancer GRCh37_chr6:149699707-149700906; plus strand). Cytogenetic location: 6q25.1.
Variant type: single nucleotide variant.
Coding change: c.1567C>T on transcript NM_001292034.3 (MANE Select); coding-DNA position 1567, C replaced by T.
Protein change: p.Leu523=; no amino-acid change (leucine 523 retained).
Molecular consequence: synonymous variant.
Genome position (GRCh38, 1-based): chr6:149,379,482, C>T. VCF-style: chr6-149379482-C-T. GRCh37 (hg19) VCF-style: chr6-149700618-C-T.
Other names: c.1471C>T, p.Leu491= (NM_001292035.3); c.1567C>T, p.Leu523= (NM_001369506.1, NM_015093.6).
Identifiers: ClinVar variation 5039072 (VCV005039072.1).